The following is an entry in ClinVar:

ClinVar aggregate classification (germline): Likely benign (1 of 4 stars; one submission).

Conditions:
NR3C1-related disorder. Also called: NR3C1-related condition.

gnomAD v4.1: 297 of 1,613,710 alleles (0.018%); highest among the groups gnomAD compares: South Asian, 0.31%; 3 homozygotes.

Submission:

PreventionGenetics, part of Exact Sciences
Classification: Likely benign for NR3C1-related condition. Last evaluated: 2024-12-11. Review status: criteria provided, single submitter. Criteria: ACMG Guidelines, 2015. Collection method: clinical testing. Allele origin: germline.
Comment: This variant is classified as likely benign based on ACMG/AMP sequence variant interpretation guidelines (Richards et al. 2015 PMID: 25741868, with internal and published modifications).

NM_000176.3(NR3C1):c.1192A>G (p.Met398Val)

Gene: NR3C1 (nuclear receptor subfamily 3 group C member 1; minus strand). Cytogenetic location: 5q31.3.
Variant type: single nucleotide variant.
Coding change: c.1192A>G on transcript NM_000176.3 (MANE Select); coding-DNA position 1192, A replaced by G.
Protein change: p.Met398Val; replaces methionine 398 with valine.
Molecular consequence: missense variant. On other transcripts: non-coding transcript variant (1).
Genome position (GRCh38, 1-based): chr5:143,314,161, T>C on the plus strand (A>G on the coding strand, the complement: NR3C1 is on the minus strand). VCF-style: chr5-143314161-T-C. GRCh37 (hg19) VCF-style: chr5-142693726-T-C.
Other names: c.1192A>G, p.Met398Val (NM_001018074.1, NM_001018075.1, NM_001018076.2 and 10 more transcripts); c.1114A>G, p.Met372Val (NM_001204258.2); c.937A>G, p.Met313Val (NM_001204259.2); c.925A>G, p.Met309Val (NM_001204260.2); c.901A>G, p.Met301Val (NM_001204261.2); c.247A>G, p.Met83Val (NM_001204262.2); c.202A>G, p.Met68Val (NM_001204263.2); c.187A>G, p.Met63Val (NM_001204264.2); short protein forms M68V, M313V, M372V, M301V, M309V, M398V, M83V, M63V.
Identifiers: ClinVar variation 4996358 (VCV004996358.1).
Genomic context (GRCh38, chr5:143,314,161, plus strand): 5'-GAGGTGGTCCTGTTGTTGCTGTTGAGGAGCTGGATGGAGGAGAGCTTACATCTGGTCTCA[T>C]GCTGGGGCTAAAGAAGGGGAAGAACAGTGTTATGATTTAACTGTCAAAGGAATATCAAAA-3'
Protein context (NP_000167.1, residues 388-408): VFSNGYSSPS[Met398Val]RPDVSSPPSS